The following is an entry in ClinVar:

NM_001348800.3(ZBTB20):c.2111C>T (p.Pro704Leu)

Gene: ZBTB20 (zinc finger and BTB domain containing 20; minus strand). Cytogenetic location: 3q13.31.
Variant type: single nucleotide variant.
Coding change: c.2111C>T on transcript NM_001348800.3 (MANE Select); coding-DNA position 2111, C replaced by T.
Protein change: p.Pro704Leu; replaces proline 704 with leucine.
Molecular consequence: missense variant. On other transcripts: non-coding transcript variant (1).
Genome position (GRCh38, 1-based): chr3:114,339,120, G>A on the plus strand (C>T on the coding strand, the complement: ZBTB20 is on the minus strand). VCF-style: chr3-114339120-G-A. GRCh37 (hg19) VCF-style: chr3-114057967-G-A.
Other names: c.1892C>T, p.Pro631Leu (NM_001348801.3, NM_001348802.3, NM_001348804.3 and 9 more transcripts); c.2111C>T, p.Pro704Leu (NM_001348803.3, NM_001393393.1, NM_001393394.1 and 1 more transcripts); short protein forms P631L, P704L.
Identifiers: ClinVar variation 2128167 (VCV002128167.4), dbSNP rs990208187, ClinGen allele CA81659736.

ClinVar aggregate classification (germline): Uncertain significance (1 of 4 stars; one submission).

gnomAD v4.1: 2 of 1,610,350 alleles (0.00012%); highest among the groups gnomAD compares: East Asian, 0.0022%; no homozygotes.

Submission:

Labcorp Genetics (formerly Invitae), Labcorp
Classification: Uncertain significance. Last evaluated: 2022-05-26. Review status: criteria provided, single submitter. Criteria: Invitae Variant Classification Sherloc (09022015). Collection method: clinical testing. Allele origin: germline.
Comment: This sequence change replaces proline, which is neutral and non-polar, with leucine, which is neutral and non-polar, at codon 704 of the ZBTB20 protein (p.Pro704Leu). This variant is present in population databases (no rsID available, gnomAD 0.0009%). This variant has not been reported in the literature in individuals affected with ZBTB20-related conditions. Algorithms developed to predict the effect of missense changes on protein structure and function (SIFT, PolyPhen-2, Align-GVGD) all suggest that this variant is likely to be tolerated. In summary, the available evidence is currently insufficient to determine the role of this variant in disease. Therefore, it has been classified as a Variant of Uncertain Significance.